The following is an entry in ClinVar:

NM_005045.4(RELN):c.1108G>C (p.Gly370Arg)

Gene: RELN (reelin; minus strand). Cytogenetic location: 7q22.1.
Variant type: single nucleotide variant.
Coding change: c.1108G>C on transcript NM_005045.4 (MANE Select); coding-DNA position 1108, G replaced by C.
Protein change: p.Gly370Arg; replaces glycine 370 with arginine.
Molecular consequence: missense variant.
Genome position (GRCh38, 1-based): chr7:103,697,888, C>G on the plus strand (G>C on the coding strand, the complement: RELN is on the minus strand). VCF-style: chr7-103697888-C-G. GRCh37 (hg19) VCF-style: chr7-103338335-C-G.
Other names: c.1108G>C, p.Gly370Arg (NM_173054.3); short protein forms G370R.
Identifiers: ClinVar variation 212029 (VCV000212029.22), dbSNP rs143050366, ClinGen allele CA209476.
Genomic context (GRCh38, chr7:103,697,888, plus strand): 5'-CCCAAAAACTAAAAAGAGCTCTAACCTTAACTGTAGCTCCTGGGAAGAAAAGCCAGTTGC[C>G]TGTGTCCACTGGGTCGAGACTATCTTCTAAAACGACTTGTCTGTGAGCTGAATTGATGAT-3'
Protein context (NP_005036.2, residues 360-380): LEDSLDPVDT[Gly370Arg]NWLFFPGATV

ClinVar aggregate classification (germline): Conflicting classifications of pathogenicity. Review status: criteria provided, conflicting classifications (1 of 4 stars). 7 submissions from 7 submitters: Uncertain significance (5); Likely benign (1). 1 of the submissions does not count toward it. Last evaluated 2026-09-18.

Conditions:
Familial temporal lobe epilepsy 7. Identifiers: Orphanet 101046, MedGen C4225327, MONDO:0014639, OMIM 616436.
Norman-Roberts syndrome (LIS2). Also called: Lissencephaly 2 (Norman-Roberts type). Identifiers: Orphanet 89844, MedGen C0796089, MONDO:0009760, OMIM 257320.
Epilepsy, familial temporal lobe, 1. Identifiers: Orphanet 101046, MedGen CN030884, MONDO:0700090, OMIM 600512.
Intellectual disability. Also called: Intellectual functioning disability; intellectual disabilities; Intellectual developmental disorder. Identifiers: MedGen C3714756, MeSH D008607, MONDO:0001071, HP:0001249.

Allele frequency attached by ClinVar (database versions not stated): 1000 Genomes Project below 0.00001; ESP Exome Variant Server 0.00015; gnomAD 0.00024 and 0.00025; gnomAD exomes 0.00024 and 0.00027; TOPMed 0.00026; ExAC 0.00027; 1000 Genomes Project 30x 0.00062.
gnomAD v4.1: 390 of 1,613,694 alleles (0.024%); highest among the groups gnomAD compares: Admixed American, 0.025%; no homozygotes.

Submissions (7):

GeneDx
Classification: Uncertain significance. Last evaluated: 2026-09-18. Review status: criteria provided, single submitter. Criteria: GeneDx Variant Classification Process June 2021. Collection method: clinical testing. Allele origin: germline.
Comment: Reported in an individual with autism; however, it was inherited from the patient's mother and did not segregate with disease in the family (PMID: 14515139); In silico analysis suggests that this missense variant does not alter protein structure/function; This variant is associated with the following publications: (PMID: 14515139)

CeGaT Center for Human Genetics Tuebingen
Classification: Uncertain significance. Last evaluated: 2026-07-01. Review status: criteria provided, single submitter. Criteria: CeGaT Center For Human Genetics Tuebingen Variant Classification Criteria Version 2. Collection method: clinical testing. Allele origin: germline. Affected: yes. Observed: 1 variant allele.
Comment: RELN: PM2

Labcorp Genetics (formerly Invitae), Labcorp
Classification: Likely benign for Familial temporal lobe epilepsy 7; Norman-Roberts syndrome. Last evaluated: 2025-10-02. Review status: criteria provided, single submitter. Criteria: Invitae Variant Classification Sherloc (09022015). Collection method: clinical testing. Allele origin: germline.

Blueprint Genetics
Classification: Uncertain significance. Last evaluated: 2024-09-26. Review status: criteria provided, single submitter. Criteria: ACMG Guidelines, 2015. Collection method: clinical testing. Allele origin: germline.

Fulgent Genetics
Classification: Uncertain significance for Norman-Roberts syndrome; Epilepsy, familial temporal lobe, 1; Familial temporal lobe epilepsy 7. Last evaluated: 2018-10-31. Review status: criteria provided, single submitter. Criteria: ACMG Guidelines, 2015. Collection method: clinical testing. Allele origin: unknown.

Genetic Services Laboratory, University of Chicago
Classification: Uncertain significance. Last evaluated: 2014-06-27. Review status: criteria provided, single submitter. Criteria: ACMG Guidelines, 2015. Collection method: clinical testing. Allele origin: germline.

Centre de Biologie Pathologie Génétique, Centre Hospitalier Universitaire de Lille
Classification: Uncertain significance for Intellectual disability. Last evaluated: 2019-01-01. Review status: no assertion criteria provided. Collection method: clinical testing. Allele origin: unknown. Affected: yes. Not counted in ClinVar's aggregate classification.